The following is an entry in ClinVar:

ClinVar aggregate classification (germline): Likely benign (1 of 4 stars; one submission).

Conditions:
Glucocorticoid resistance. Also called: Glucocorticoid resistance, generalized; Gccr deficiency; Glucocorticoid receptor deficiency; Cortisol resistance from glucocorticoid receptor defect; Gcr deficiency. Identifiers: Orphanet 786, MedGen C1841972, MONDO:0014421, OMIM 615962.

Allele frequency attached by ClinVar (database versions not stated): TOPMed 0.00216; 1000 Genomes Project 0.00579; 1000 Genomes Project 30x 0.00547.
gnomAD v4.1: 439 of 985,452 alleles (0.045%); highest among the groups gnomAD compares: East Asian, 3.3%; 7 homozygotes.

Submission:

Illumina Laboratory Services, Illumina
Classification: Likely benign for Glucocorticoid resistance. Last evaluated: 2018-01-13. Review status: criteria provided, single submitter. Criteria: ICSL Variant Classification Criteria 13 December 2019. Collection method: clinical testing. Allele origin: germline.
Comment: This variant was observed in the ICSL laboratory as part of a predisposition screen in an ostensibly healthy population. It had not been previously curated by ICSL or reported in the Human Gene Mutation Database (HGMD: prior to June 1st, 2018), and was therefore a candidate for classification through an automated scoring system. Utilizing variant allele frequency, disease prevalence and penetrance estimates, and inheritance mode, an automated score was calculated to assess if this variant is too frequent to cause the disease. Based on the score and internal cut-off values, a variant classified as likely benign is not then subjected to further curation. The score for this variant resulted in a classification of likely benign for this disease.

NM_001018077.1(NR3C1):c.-958G>T

Gene: NR3C1 (nuclear receptor subfamily 3 group C member 1; minus strand). Cytogenetic location: 5q31.3.
Variant type: single nucleotide variant.
Coding change: c.-958G>T on transcript NM_001018077.1; 958 bases upstream of the start codon, G replaced by T.
Molecular consequence: 5 prime UTR variant.
Genome position (GRCh38, 1-based): chr5:143,435,476, C>A on the plus strand (G>T on the coding strand, the complement: NR3C1 is on the minus strand). VCF-style: chr5-143435476-C-A. GRCh37 (hg19) VCF-style: chr5-142815041-C-A.
Other names: c.-286G>T (NM_001018074.1); c.-189G>T (NM_001018075.1).
Identifiers: ClinVar variation 907692 (VCV000907692.6), dbSNP rs72555797, ClinGen allele CA129268626.
Genomic context (GRCh38, chr5:143,435,476, plus strand): 5'-AAATGTCTGCATAGGCACAAGAATGAGGGCGAGAGGGAGCAAGAGAAGAGGAAGAGGTAC[C>A]TTTTGAATGGGGTGAAAGCAAACCCTTACATAACCTGACCACACAATAGGAGGAAATGAA-3'